The following is an entry in ClinVar:

NM_182914.3(SYNE2):c.17549T>C (p.Leu5850Pro)

Gene: SYNE2 (spectrin repeat containing nuclear envelope protein 2; plus strand). Cytogenetic location: 14q23.2.
Variant type: single nucleotide variant.
Coding change: c.17549T>C on transcript NM_182914.3 (MANE Select); coding-DNA position 17549, T replaced by C.
Protein change: p.Leu5850Pro; replaces leucine 5850 with proline.
Molecular consequence: missense variant.
Genome position (GRCh38, 1-based): chr14:64,177,476, T>C. VCF-style: chr14-64177476-T-C. GRCh37 (hg19) VCF-style: chr14-64644194-T-C.
Other names: c.17549T>C, p.Leu5850Pro (NM_015180.6); short protein forms L5850P.
Identifiers: ClinVar variation 2058648 (VCV002058648.4), dbSNP rs149278203, ClinGen allele CA261839378.

ClinVar aggregate classification (germline): Uncertain significance (1 of 4 stars; one submission).

Conditions:
Emery-Dreifuss muscular dystrophy 5, autosomal dominant (EDMD5). Also called: EMERY-DREIFUSS MUSCULAR DYSTROPHY 5. Identifiers: Orphanet 261, MedGen C2751805, MONDO:0013072, OMIM 612999.

Allele frequency attached by ClinVar (database versions not stated): gnomAD exomes 0.00001; TOPMed 0.00001; ESP Exome Variant Server 0.00008.
gnomAD v4.1: 7 of 1,614,194 alleles (0.00043%); highest among the groups gnomAD compares: Middle Eastern, 0.016%; no homozygotes.

Submission:

Labcorp Genetics (formerly Invitae), Labcorp
Classification: Uncertain significance for Emery-Dreifuss muscular dystrophy 5, autosomal dominant. Last evaluated: 2022-01-03. Review status: criteria provided, single submitter. Criteria: Invitae Variant Classification Sherloc (09022015). Collection method: clinical testing. Allele origin: germline.
Comment: This variant is present in population databases (rs149278203, gnomAD 0.003%). This sequence change replaces leucine, which is neutral and non-polar, with proline, which is neutral and non-polar, at codon 5850 of the SYNE2 protein (p.Leu5850Pro). This variant has not been reported in the literature in individuals affected with SYNE2-related conditions. Algorithms developed to predict the effect of missense changes on protein structure and function are either unavailable or do not agree on the potential impact of this missense change (SIFT: "Deleterious"; PolyPhen-2: "Probably Damaging"; Align-GVGD: "Class C0"). In summary, the available evidence is currently insufficient to determine the role of this variant in disease. Therefore, it has been classified as a Variant of Uncertain Significance.